The following is an entry in ClinVar:

ClinVar aggregate classification (germline): Uncertain significance (1 of 4 stars; one submission).

gnomAD v4.1: 6 of 1,609,768 alleles (0.00037%); highest among the groups gnomAD compares: Middle Eastern, 0.017%; no homozygotes.

Submission:

Labcorp Genetics (formerly Invitae), Labcorp
Classification: Uncertain significance. Last evaluated: 2025-12-02. Review status: criteria provided, single submitter. Criteria: Invitae Variant Classification Sherloc (09022015). Collection method: clinical testing. Allele origin: germline.
Comment: This sequence change falls in intron 5 of the DSTYK gene. It does not directly change the encoded amino acid sequence of the DSTYK protein. It affects a nucleotide within the consensus splice site. This variant is present in population databases (rs765904581, gnomAD 0.01%). This variant has not been reported in the literature in individuals affected with DSTYK-related conditions. Variants that disrupt the consensus splice site are a relatively common cause of aberrant splicing (PMID: 17576681, 9536098). Algorithms developed to predict the effect of sequence changes on RNA splicing suggest that this variant is not likely to affect RNA splicing. In summary, the available evidence is currently insufficient to determine the role of this variant in disease. Therefore, it has been classified as a Variant of Uncertain Significance.

Literature cited by the submitters: PubMed 17576681; PubMed 9536098.

NM_015375.3(DSTYK):c.1641+4G>T

Gene: DSTYK (dual serine/threonine and tyrosine protein kinase; minus strand). Cytogenetic location: 1q32.1.
Variant type: single nucleotide variant.
Coding change: c.1641+4G>T on transcript NM_015375.3 (MANE Select); 4 bases into the intron after coding-DNA position 1641, G replaced by T.
Molecular consequence: intron variant.
Genome position (GRCh38, 1-based): chr1:205,162,919, C>A on the plus strand (G>T on the coding strand, the complement: DSTYK is on the minus strand). VCF-style: chr1-205162919-C-A. GRCh37 (hg19) VCF-style: chr1-205132047-C-A.
Other names: c.1641+4G>T (NM_199462.3).
Identifiers: ClinVar variation 4768363 (VCV004768363.1).